The following is an entry in ClinVar:

NM_002087.4(GRN):c.1414-2A>G

Gene: GRN (granulin precursor; plus strand). Cytogenetic location: 17q21.31.
Variant type: single nucleotide variant.
Coding change: c.1414-2A>G on transcript NM_002087.4 (MANE Select); the canonical splice acceptor site of the intron before coding-DNA position 1414, A replaced by G.
Molecular consequence: splice acceptor variant.
Genome position (GRCh38, 1-based): chr17:44,352,339, A>G. VCF-style: chr17-44352339-A-G. GRCh37 (hg19) VCF-style: chr17-42429707-A-G.
Identifiers: ClinVar variation 447471 (VCV000447471.7), dbSNP rs1555611412, ClinGen allele CA399769494.

ClinVar aggregate classification (germline): Pathogenic. Review status: criteria provided, multiple submitters, no conflicts (2 of 4 stars). 2 submissions from 2 submitters: Pathogenic (2). Last evaluated 2017-08-03.

Conditions:
Neuronal ceroid lipofuscinosis 11. Also called: GRN-Related Neuronal Ceroid-Lipofuscinosis. Identifiers: Orphanet 314629, Orphanet 79262, MedGen C3539123, MONDO:0013866, OMIM 614706.
GRN-related frontotemporal lobar degeneration with Tdp43 inclusions (FTD2). Also called: FRONTOTEMPORAL LOBAR DEGENERATION WITH UBIQUITIN-POSITIVE INCLUSIONS; FTLD-TDP, GRN-RELATED; GRN Frontotemporal Dementia; FRONTOTEMPORAL DEMENTIA WITH TDP43 INCLUSIONS, GRN-RELATED; DEMENTIA, HEREDITARY DYSPHASIC DISINHIBITION. Identifiers: Orphanet 100070, Orphanet 282, MedGen C1843792, MONDO:0011842, OMIM 607485. Disease mechanism: loss of function.

Submissions (2):

Labcorp Genetics (formerly Invitae), Labcorp
Classification: Pathogenic for Neuronal ceroid lipofuscinosis 11; GRN-related frontotemporal lobar degeneration with Tdp43 inclusions. Last evaluated: 2017-08-03. Review status: criteria provided, single submitter. Criteria: Invitae Variant Classification Sherloc (09022015). Collection method: clinical testing. Allele origin: germline.
Comment: This variant is not present in population databases (ExAC no frequency). This sequence change affects an acceptor splice site in intron 11 of the GRN gene. It is expected to disrupt RNA splicing and likely results in an absent or disrupted protein product. This variant has been reported to segregate with frontotemporal dementia(FTD) in a single family and reported in an individual with FTD (PMID: 20142524, 21482928). Experimental studies have shown that this splice acceptor change resulted in partial reduction in splice site (PMID: 20142524). For these reasons, this variant has been classified as Pathogenic. Donor and acceptor splice site variants typically lead to a loss of protein function (PMID: 16199547), and loss-of-function variants in GRN are known to be pathogenic (PMID: 16862116, 16950801, 22608501).

Athena Diagnostics
Classification: Pathogenic. Last evaluated: 2017-03-15. Review status: criteria provided, single submitter. Criteria: Athena Diagnostics Criteria. Collection method: clinical testing. Allele origin: germline.

Literature cited by the submitters: PubMed 20142524 (cited by Labcorp Genetics (formerly Invitae), Labcorp and Athena Diagnostics); PubMed 21482928 (cited by Labcorp Genetics (formerly Invitae), Labcorp); PubMed 16199547 (cited by Labcorp Genetics (formerly Invitae), Labcorp); PubMed 16862116 (cited by Labcorp Genetics (formerly Invitae), Labcorp); PubMed 16950801 (cited by Labcorp Genetics (formerly Invitae), Labcorp); PubMed 22608501 (cited by Labcorp Genetics (formerly Invitae), Labcorp); PubMed 22312439 (cited by Athena Diagnostics); PubMed 19649643 (cited by Athena Diagnostics).